The following is an entry in ClinVar:

NM_007294.4(BRCA1):c.4185G>A (p.Gln1395=)

Gene: BRCA1 (BRCA1 DNA repair associated; minus strand). Cytogenetic location: 17q21.31.
Variant type: single nucleotide variant.
Coding change: c.4185G>A on transcript NM_007294.4 (MANE Select); coding-DNA position 4185, G replaced by A.
Protein change: p.Gln1395=; no amino-acid change (glutamine 1395 retained).
Molecular consequence: synonymous variant.
Genome position (GRCh38, 1-based): chr17:43,090,944, C>T on the plus strand (G>A on the coding strand, the complement: BRCA1 is on the minus strand). VCF-style: chr17-43090944-C-T. GRCh37 (hg19) VCF-style: chr17-41242961-C-T.
Other names: Q1395Q; c.753G>A, p.Gln251= (NM_001408439.1, NM_001408440.1, NM_001408441.1 and 12 more transcripts); c.750G>A, p.Gln250= (NM_001408445.1, NM_001408446.1, NM_001408447.1 and 6 more transcripts); c.741G>A, p.Gln247= (NM_001408451.1); c.735G>A, p.Gln245= (NM_001408452.1, NM_001408453.1, NM_001408454.1 and 11 more transcripts); c.732G>A, p.Gln244= (NM_001408462.1, NM_001408463.1, NM_001408464.1 and 3 more transcripts); c.876G>A, p.Gln292= (NM_001408472.1, NM_007298.4, NM_007299.4 and 18 more transcripts); c.873G>A, p.Gln291= (NM_001408473.1, NM_001407972.1, NM_001407984.1 and 13 more transcripts); and 42 more.
Identifiers: ClinVar variation 55131 (VCV000055131.27), dbSNP rs80356857, ClinGen allele CA002692.

ClinVar aggregate classification (germline): Pathogenic. Review status: reviewed by expert panel (3 of 4 stars). 11 submissions from 11 submitters: Pathogenic (1). 10 of the submissions do not count toward it. Last evaluated 2019-06-18.

Conditions:
Inherited ovarian cancer (without breast cancer).
Hereditary cancer-predisposing syndrome. Also called: Hereditary neoplastic syndrome; Hereditary Cancer Syndrome; Neoplastic Syndromes, Hereditary; Tumor predisposition. Identifiers: Orphanet 140162, MedGen C0027672, MeSH D009386, MONDO:0015356.
Hereditary breast ovarian cancer syndrome. Also called: Breast and ovarian cancer; Hereditary breast and ovarian cancer syndrome; BRCA1- and BRCA2-Associated Hereditary Breast and Ovarian Cancer; Hereditary breast and ovarian cancer syndrome (HBOC); Hereditary breast and/or ovarian cancer syndrome; Hereditary breast and ovarian cancer. Identifiers: Orphanet 145, MedGen C0677776, MeSH D061325, MONDO:0003582. Disease mechanism: loss of function.
Breast-ovarian cancer, familial, susceptibility to, 1 (BROVCA1). Also called: BRCA1 Hereditary Breast and Ovarian Cancer; OVARIAN CANCER, SUSCEPTIBILITY TO. Identifiers: Orphanet 145, MedGen C2676676, MONDO:0011450, OMIM 604370. Disease mechanism: loss of function.

Allele frequency attached by ClinVar (database versions not stated): gnomAD exomes below 0.00001.
gnomAD v4.1: 2 of 1,608,344 alleles (0.00012%); highest among the groups gnomAD compares: Non-Finnish European, 0.00017%; no homozygotes.

Submissions 1 to 9 of 11:

Evidence-based Network for the Interpretation of Germline Mutant Alleles (ENIGMA)
Classification: Pathogenic for Breast-ovarian cancer, familial, susceptibility to, 1. Last evaluated: 2019-06-18. Review status: reviewed by expert panel. Criteria: ENIGMA BRCA1/2 Classification Criteria (2017-06-29). Collection method: curation. Allele origin: germline.
Comment: IARC class based on posterior probability from multifactorial likelihood analysis, thresholds for class as per Plon et al. 2008 (PMID: 18951446). Class 5 based on posterior probability = 0.999943

Cambridge Genomics Laboratory, East Genomic Laboratory Hub, NHS Genomic Medicine Service
Classification: Pathogenic for Inherited ovarian cancer (without breast cancer). Last evaluated: 2026-05-29. Review status: criteria provided, single submitter. Criteria: ACGS Best Practice Guidelines for Variant Classification in Rare Disease 2020. Collection method: clinical testing. Allele origin: germline. Affected: yes. Not counted in ClinVar's aggregate classification.
Comment: PVS1_Moderate,PS4,PM2_Supporting,PP1_Strong

GeneDx
Classification: Pathogenic. Last evaluated: 2026-04-06. Review status: criteria provided, single submitter. Criteria: GeneDx Variant Classification Process June 2021. Collection method: clinical testing. Allele origin: germline. Not counted in ClinVar's aggregate classification.
Comment: Not observed at significant frequency in large population cohorts (gnomAD); Also known as 4304G>A; This variant is associated with the following publications: (PMID: 12759930, 23239986, 7493024, 30287823, 15024741, 9649133, 32341426, 31131967, 30555256, 18489799)

Ambry Genetics
Classification: Pathogenic for Hereditary cancer-predisposing syndrome. Last evaluated: 2025-09-25. Review status: criteria provided, single submitter. Criteria: Ambry Variant Classification Scheme 2023. Collection method: clinical testing. Allele origin: germline. Not counted in ClinVar's aggregate classification.
Comment: The c.4185G>A pathogenic mutation (also known as p.Q1395Q), located in coding exon 10 of the BRCA1 gene, results from a G to A substitution at nucleotide position 4185. This nucleotide substitution does not change the codon at 1395. However, this change occurs in the last base pair of coding exon 10, which makes it likely to have some effect on normal mRNA splicing. This mutation was first reported in two breast and/or ovarian cancer families from the United Kingdom (Gayther SA et al. Nat Genet. 1995 Dec;11(4):428-33). Analysis of cDNA from an affected individual indicated a splicing defect and segregation analysis of one of the families showed complete segregation of the mutation with disease. Subsequently, this mutation has been described in several other breast and/or ovarian cancer families and functional studies have confirmed that the mutation results in an aberrant transcript due to skipping of coding exon 10 (Eccles DM et al. Br J Cancer. 1998 Jun;77(12):2199-203; Meindl A et al. Int J Cancer. 2002 Feb 1;97(4):472-80; Claes K et al. Genes Chromosomes Cancer. 2003 Jul;37(3):314-20; Wappenschmidt B et al. PLoS One. 2012;7(12):e50800). This nucleotide position is highly conserved in available vertebrate species. In silico splice site analysis predicts that this alteration will weaken the native splice donor site. This variant is considered to be rare based on population cohorts in the Genome Aggregation Database (gnomAD). Of note, this mutation is also designated as 4304G>A in published literature. Based on the available evidence, c.4185G>A is classified as a pathogenic mutation.

Labcorp Genetics (formerly Invitae), Labcorp
Classification: Pathogenic for Hereditary breast ovarian cancer syndrome. Last evaluated: 2025-09-22. Review status: criteria provided, single submitter. Criteria: Invitae Variant Classification Sherloc (09022015). Collection method: clinical testing. Allele origin: germline. Not counted in ClinVar's aggregate classification.
Comment: This sequence change affects codon 1395 of the BRCA1 mRNA. It is a 'silent' change, meaning that it does not change the encoded amino acid sequence of the BRCA1 protein. RNA analysis indicates that this variant induces altered splicing and may result in an absent or altered protein product. This variant is not present in population databases (gnomAD no frequency). This variant has been observed in individual(s) with breast cancer and/or ovarian cancer (PMID: 7493024, 9649133, 12759930, 23239986). It has also been observed to segregate with disease in related individuals. This variant is also known as 4304G>A. ClinVar contains an entry for this variant (Variation ID: 55131). Based on a multifactorial likelihood algorithm using genetic, in silico, and/or statistical data, this variant has been determined to have a high probability of being pathogenic (PMID: 31131967). Variants that disrupt the consensus splice site are a relatively common cause of aberrant splicing (PMID: 17576681, 9536098). Studies have shown that this variant results in skipping of exon 11 (also known as exon 12), and produces a non-functional protein and/or introduces a premature termination codon (PMID: 7493024, 12759930, 23239986). For these reasons, this variant has been classified as Pathogenic.

Color Diagnostics, LLC DBA Color Health
Classification: Pathogenic for Hereditary cancer-predisposing syndrome. Last evaluated: 2020-10-13. Review status: criteria provided, single submitter. Criteria: ACMG Guidelines, 2015. Collection method: clinical testing. Allele origin: germline. Not counted in ClinVar's aggregate classification.
Comment: This variant disrupts the conserved last nucleotide in exon 11 of the BRCA1 gene, and it is predicted to disrupt splicing. This variant is also known as 4304G>A in the literature. RNA studies have shown that this variant causes an out-of-frame skipping of exon 11 (PMID: 12759930, 23239986), and an analysis of cDNA from a carrier suggests that that variant transcript is not stably expressed (PMID: 7493024). This variant has been observed in multiple individuals and families affected with breast and ovarian cancer (PMID: 7493024, 9649133, 11802209, 12759930, 23239986, 29907814). Family testing that included at least six families reported cosegregation of the variant with disease with a likelihood ratio of 39.3167 (PMID: 7493024, 31131967). This variant has not been identified in the general population by the Genome Aggregation Database (gnomAD). Loss of BRCA1 function is a known mechanism of disease. Based on the available evidence, this variant is classified as Pathogenic.

Women's Health and Genetics/Laboratory Corporation of America, LabCorp
Classification: Pathogenic for Hereditary breast and ovarian cancer syndrome. Last evaluated: 2018-11-26. Review status: criteria provided, single submitter. Criteria: LabCorp Variant Classification Summary - May 2015. Collection method: clinical testing. Allele origin: germline. Not counted in ClinVar's aggregate classification.
Comment: Variant summary: BRCA1 c.4185G>A (p.Gln1395Gln) alters a conserved nucleotide located at the last nucleotide of an exon and therefore could affect mRNA splicing, leading to a significantly altered protein sequence. Several computational tools predict a significant impact on normal splicing: Five predict the variant abolishes/weakens a 5' splicing donor site. Four predict the variant abolishes/weakens a 3' acceptor site. Multiple publications report experimental evidence that this variant affects mRNA splicing (Claes_2003, Wappenschmidt_2012) and one reports reduced expression of BRCA1 protein levels (Taylor_1998). The variant was absent in 237624 control chromosomes (gnomAD) and has been reported in the literature in multiple individuals affected with Hereditary Breast and Ovarian Cancer (Claes_2003, Wang_2014, Palmero _2018, Wappenschmidt_2012) . These data indicate that the variant is very likely to be associated with disease. Three clinical diagnostic laboratories have submitted clinical-significance assessments for this variant to ClinVar after 2014 without evidence for independent evaluation. All laboratories have classified the variant as pathogenic. Based on the evidence outlined above, the variant was classified as pathogenic.

Consortium of Investigators of Modifiers of BRCA1/2 (CIMBA), c/o University of Cambridge
Classification: Pathogenic for Breast-ovarian cancer, familial, susceptibility to, 1. Last evaluated: 2015-10-02. Review status: criteria provided, single submitter. Criteria: CIMBA Mutation Classification guidelines May 2016. Collection method: clinical testing. Allele origin: germline. Not counted in ClinVar's aggregate classification.

Quest Diagnostics Nichols Institute San Juan Capistrano
Classification: Pathogenic. Last evaluated: 2015-09-14. Review status: criteria provided, single submitter. Criteria: Quest Diagnostics criteria. Collection method: clinical testing. Allele origin: unknown. Not counted in ClinVar's aggregate classification.